The following is an entry in ClinVar:

NM_016341.4(PLCE1):c.3736C>T (p.Arg1246Ter)

Gene: PLCE1 (phospholipase C epsilon 1; plus strand). Cytogenetic location: 10q23.33.
Variant type: single nucleotide variant.
Coding change: c.3736C>T on transcript NM_016341.4 (MANE Select); coding-DNA position 3736, C replaced by T.
Protein change: p.Arg1246Ter; replaces arginine 1246 with a stop codon.
Molecular consequence: nonsense.
Genome position (GRCh38, 1-based): chr10:94,259,072, C>T. VCF-style: chr10-94259072-C-T. GRCh37 (hg19) VCF-style: chr10-96018829-C-T.
Other names: c.2812C>T, p.Arg938Ter (NM_001165979.2); c.3688C>T, p.Arg1230Ter (NM_001288989.2); short protein forms R1246*, R1230*, R938*.
Identifiers: ClinVar variation 18424 (VCV000018424.10), dbSNP rs267606955, ClinGen allele CA115503.

ClinVar aggregate classification (germline): Pathogenic. Review status: criteria provided, multiple submitters, no conflicts (2 of 4 stars). 4 submissions from 4 submitters: Pathogenic (3). 1 of the submissions does not count toward it. Last evaluated 2025-01-15.

Conditions:
Nephrotic syndrome, type 3 (NPHS3). Also called: NEPHROTIC SYNDROME, EARLY-ONSET, TYPE 3. Identifiers: Orphanet 656, MedGen C1853124, MONDO:0012546, OMIM 610725.

Allele frequency attached by ClinVar (database versions not stated): TOPMed 0.00006.
gnomAD v4.1: 10 of 1,613,872 alleles (0.00062%); highest among the groups gnomAD compares: Admixed American, 0.01%; no homozygotes.

Submissions (4):

MVZ Medizinische Genetik Mainz
Classification: Pathogenic for Nephrotic syndrome, type 3. Last evaluated: 2025-01-15. Review status: criteria provided, single submitter. Criteria: UK Practice Guidelines For Variant Classification V4 01 2020. Collection method: clinical testing. Allele origin: germline. Inheritance: Autosomal recessive inheritance. Affected: yes. Observed: 1 variant allele.
Comment: ACMG Criteria: PVS1,PM3

3billion
Classification: Pathogenic for Nephrotic syndrome, type 3. Last evaluated: 2023-07-06. Review status: criteria provided, single submitter. Criteria: ACMG Guidelines, 2015. Collection method: clinical testing. Allele origin: germline. Affected: yes.
Comment: The variant is observed at an extremely low frequency in the gnomAD v2.1.1 dataset (total allele frequency: 0.002%). Predicted Consequence/Location: Stop-gained (nonsense): predicted to result in a loss or disruption of normal protein function through nonsense-mediated decay (NMD) or protein truncation. Multiple pathogenic variants are reported downstream of the variant. The variant has been reported to be associated with PLCE1 related disorder (ClinVar ID: VCV000018424 /PMID: 18709391). Therefore, this variant is classified as Pathogenic according to the recommendation of ACMG/AMP guideline.

Labcorp Genetics (formerly Invitae), Labcorp
Classification: Pathogenic. Last evaluated: 2022-02-23. Review status: criteria provided, single submitter. Criteria: Invitae Variant Classification Sherloc (09022015). Collection method: clinical testing. Allele origin: germline.
Comment: This sequence change creates a premature translational stop signal (p.Arg1246*) in the PLCE1 gene. It is expected to result in an absent or disrupted protein product. Loss-of-function variants in PLCE1 are known to be pathogenic (PMID: 17086182, 20591883). This variant is present in population databases (rs267606955, gnomAD 0.009%). This premature translational stop signal has been observed in individual(s) with nephrotic syndrome (PMID: 18709391, 20591883). ClinVar contains an entry for this variant (Variation ID: 18424). For these reasons, this variant has been classified as Pathogenic.

OMIM
Classification: Pathogenic for NEPHROTIC SYNDROME, TYPE 3. Last evaluated: 2010-07-01. Review status: no assertion criteria provided. Collection method: literature only. Allele origin: germline. Not counted in ClinVar's aggregate classification.

Literature cited by the submitters: PubMed 18709391 (cited by 3billion and Labcorp Genetics (formerly Invitae), Labcorp); PubMed 17086182 (cited by Labcorp Genetics (formerly Invitae), Labcorp); PubMed 20591883 (cited by Labcorp Genetics (formerly Invitae), Labcorp and OMIM).